The following is an entry in ClinVar:

NM_000484.4(APP):c.885C>T (p.Ala295=)

Gene: APP (amyloid beta precursor protein; minus strand). Cytogenetic location: 21q21.3.
Variant type: single nucleotide variant.
Coding change: c.885C>T on transcript NM_000484.4 (MANE Select); coding-DNA position 885, C replaced by T.
Protein change: p.Ala295=; no amino-acid change (alanine 295 retained).
Molecular consequence: synonymous variant. On other transcripts: intron variant (5).
Genome position (GRCh38, 1-based): chr21:26,000,163, G>A on the plus strand (C>T on the coding strand, the complement: APP is on the minus strand). VCF-style: chr21-26000163-G-A. GRCh37 (hg19) VCF-style: chr21-27372478-G-A.
Other names: c.870C>T, p.Ala290= (NM_001136016.3); c.717C>T, p.Ala239= (NM_001136130.3); c.885C>T, p.Ala295= (NM_001204301.2, NM_001204302.2, NM_201413.3); c.761-17686C>T (NM_001136131.3); c.698-17686C>T (NM_001136129.3); c.866-17686C>T (NM_001204303.2, NM_201414.3); c.866-2747C>T (NM_001385253.1).
Identifiers: ClinVar variation 704545 (VCV000704545.12), dbSNP rs199890425, ClinGen allele CA9987508.

ClinVar aggregate classification (germline): Conflicting classifications of pathogenicity. Review status: criteria provided, conflicting classifications (1 of 4 stars). 3 submissions from 3 submitters: Uncertain significance (1); Likely benign (2). Last evaluated 2026-06-15.

Conditions:
APP-related disorder. Also called: APP-related condition.
Alzheimer disease. Also called: Alzheimer's disease; Presenile and senile dementia. Identifiers: Orphanet 1020, MedGen C0002395, MeSH D000544, MONDO:0004975, HP:0002511.

Allele frequency attached by ClinVar (database versions not stated): gnomAD exomes 0.00003 and 0.00010; gnomAD 0.00005; ExAC 0.00007; TOPMed 0.00010; 1000 Genomes Project 0.00040.
gnomAD v4.1: 55 of 1,614,174 alleles (0.0034%); highest among the groups gnomAD compares: East Asian, 0.022%; no homozygotes.

Submissions (3):

PreventionGenetics, part of Exact Sciences
Classification: Likely benign for APP-related condition. Last evaluated: 2026-06-15. Review status: criteria provided, single submitter. Criteria: ACMG Guidelines, 2015. Collection method: clinical testing. Allele origin: germline.
Comment: This variant is classified as likely benign based on ACMG/AMP sequence variant interpretation guidelines (Richards et al. 2015 PMID: 25741868, with internal and published modifications).

Labcorp Genetics (formerly Invitae), Labcorp
Classification: Likely benign for Alzheimer disease. Last evaluated: 2025-12-03. Review status: criteria provided, single submitter. Criteria: Invitae Variant Classification Sherloc (09022015). Collection method: clinical testing. Allele origin: germline.

Illumina Laboratory Services, Illumina
Classification: Uncertain significance for Alzheimer disease type 1. Last evaluated: 2018-01-12. Review status: criteria provided, single submitter. Criteria: ICSL Variant Classification Criteria 13 December 2019. Collection method: clinical testing. Allele origin: germline.